The following is an entry in ClinVar:

NM_003835.4(RGS9):c.1453G>A (p.Gly485Arg)

Gene: RGS9 (regulator of G protein signaling 9; plus strand). Cytogenetic location: 17q24.1.
Variant type: single nucleotide variant.
Coding change: c.1453G>A on transcript NM_003835.4 (MANE Select); coding-DNA position 1453, G replaced by A.
Protein change: p.Gly485Arg; replaces glycine 485 with arginine.
Molecular consequence: missense variant.
Genome position (GRCh38, 1-based): chr17:65,225,047, G>A. VCF-style: chr17-65225047-G-A. GRCh37 (hg19) VCF-style: chr17-63221165-G-A.
Other names: c.1444G>A, p.Gly482Arg (NM_001081955.3); c.1453G>A (NM_003835.3); short protein forms G482R, G485R.
Identifiers: ClinVar variation 1061089 (VCV001061089.10), dbSNP rs749768245, ClinGen allele CA8718062.
Genomic context (GRCh38, chr17:65,225,047, plus strand): 5'-TTTCCTTCTCTACAGCCGGGCCAGCACATGGCTCCCAGCCCCCATCTGACCGTGTACACC[G>A]GGACCTGCATGCCCCCGTCTCCTTCTAGCCCCTTCTCCTCCTCCTGCCGCTCCCCCAGGA-3'
Protein context (NP_003826.2, residues 475-495): APSPHLTVYT[Gly485Arg]TCMPPSPSSP

ClinVar aggregate classification (germline): Uncertain significance. Review status: criteria provided, multiple submitters, no conflicts (2 of 4 stars). 3 submissions from 3 submitters: Uncertain significance (3). Last evaluated 2024-03-19.

Conditions:
Inborn genetic diseases. Identifiers: MedGen C0950123, MeSH D030342.

Allele frequency attached by ClinVar (database versions not stated): gnomAD exomes below 0.00001 and 0.00001; ExAC 0.00001; gnomAD 0.00001.
gnomAD v4.1: 5 of 1,613,740 alleles (0.00031%); highest among the groups gnomAD compares: Admixed American, 0.0017%; no homozygotes.

Submissions (3):

Labcorp Genetics (formerly Invitae), Labcorp
Classification: Uncertain significance. Last evaluated: 2024-03-19. Review status: criteria provided, single submitter. Criteria: Invitae Variant Classification Sherloc (09022015). Collection method: clinical testing. Allele origin: germline.
Comment: This sequence change replaces glycine, which is neutral and non-polar, with arginine, which is basic and polar, at codon 485 of the RGS9 protein (p.Gly485Arg). This variant is present in population databases (rs749768245, gnomAD 0.003%). This variant has not been reported in the literature in individuals affected with RGS9-related conditions. ClinVar contains an entry for this variant (Variation ID: 1061089). Advanced modeling of protein sequence and biophysical properties (such as structural, functional, and spatial information, amino acid conservation, physicochemical variation, residue mobility, and thermodynamic stability) performed at Invitae indicates that this missense variant is not expected to disrupt RGS9 protein function with a negative predictive value of 80%. In summary, the available evidence is currently insufficient to determine the role of this variant in disease. Therefore, it has been classified as a Variant of Uncertain Significance.

Blueprint Genetics
Classification: Uncertain significance. Last evaluated: 2022-11-17. Review status: criteria provided, single submitter. Criteria: ACMG Guidelines, 2015. Collection method: clinical testing. Allele origin: germline.

Ambry Genetics
Classification: Uncertain significance for Inborn genetic diseases. Last evaluated: 2022-01-04. Review status: criteria provided, single submitter. Criteria: Ambry Variant Classification Scheme 2023. Collection method: clinical testing. Allele origin: germline.